The following is an entry in ClinVar:

NM_000069.3(CACNA1S):c.3080A>T (p.Asn1027Ile)

Gene: CACNA1S (calcium voltage-gated channel subunit alpha1 S; minus strand). Cytogenetic location: 1q32.1.
Variant type: single nucleotide variant.
Coding change: c.3080A>T on transcript NM_000069.3 (MANE Select); coding-DNA position 3080, A replaced by T.
Protein change: p.Asn1027Ile; replaces asparagine 1027 with isoleucine.
Molecular consequence: missense variant.
Genome position (GRCh38, 1-based): chr1:201,061,442, T>A on the plus strand (A>T on the coding strand, the complement: CACNA1S is on the minus strand). VCF-style: chr1-201061442-T-A. GRCh37 (hg19) VCF-style: chr1-201030570-T-A.
Other names: short protein forms N1027I.
Identifiers: ClinVar variation 2574010 (VCV002574010.3), dbSNP rs757112281, ClinGen allele CA344162858.

ClinVar aggregate classification (germline): Uncertain significance (1 of 4 stars; one submission).

Conditions:
Long QT syndrome (LQTS). Identifiers: MedGen C0023976, MeSH D008133, MONDO:0002442. Disease mechanism: loss of function. Inheritance: Various modes of inheritance.

Submission:

Dept of Medical Biology, Uskudar University
Classification: Uncertain significance for Long QT syndrome. Last evaluated: 2024-01-08. Review status: criteria provided, single submitter. Criteria: Dept of Medical Biology Variant Classification. Collection method: research. Allele origin: maternal. Affected: yes. Observed: 1 variant allele.
Comment: Criteria: PM2